The following is an entry in ClinVar:

ClinVar aggregate classification (germline): Uncertain significance (1 of 4 stars; one submission).

Allele frequency attached by ClinVar (database versions not stated): gnomAD exomes below 0.00001.
gnomAD v4.1: 1 of 1,613,576 alleles (0.000062%); highest among the groups gnomAD compares: Non-Finnish European, 0.000085%; no homozygotes.

Submission:

Labcorp Genetics (formerly Invitae), Labcorp
Classification: Uncertain significance. Last evaluated: 2023-08-05. Review status: criteria provided, single submitter. Criteria: Invitae Variant Classification Sherloc (09022015). Collection method: clinical testing. Allele origin: germline.
Comment: This variant has not been reported in the literature in individuals affected with SLIT2-related conditions. An algorithm developed to predict the effect of missense changes on protein structure and function (PolyPhen-2) suggests that this variant is likely to be disruptive. In summary, the available evidence is currently insufficient to determine the role of this variant in disease. Therefore, it has been classified as a Variant of Uncertain Significance. This variant is not present in population databases (gnomAD no frequency). This sequence change replaces glutamic acid, which is acidic and polar, with lysine, which is basic and polar, at codon 490 of the SLIT2 protein (p.Glu490Lys).

NM_004787.4(SLIT2):c.1468G>A (p.Glu490Lys)

Gene: SLIT2 (slit guidance ligand 2; plus strand). Cytogenetic location: 4p15.31.
Variant type: single nucleotide variant.
Coding change: c.1468G>A on transcript NM_004787.4 (MANE Select); coding-DNA position 1468, G replaced by A.
Protein change: p.Glu490Lys; replaces glutamic acid 490 with lysine.
Molecular consequence: missense variant.
Genome position (GRCh38, 1-based): chr4:20,528,954, G>A. VCF-style: chr4-20528954-G-A. GRCh37 (hg19) VCF-style: chr4-20530577-G-A.
Other names: c.1456G>A, p.Glu486Lys (NM_001289135.3); c.1444G>A, p.Glu482Lys (NM_001289136.3); short protein forms E486K, E490K, E482K.
Identifiers: ClinVar variation 2750521 (VCV002750521.3), dbSNP rs2546552944, ClinGen allele CA356464341.